The following is an entry in ClinVar:

NM_000051.4(ATM):c.4544A>C (p.Asn1515Thr)

Gene: ATM (ATM serine/threonine kinase; plus strand). Cytogenetic location: 11q22.3.
Variant type: single nucleotide variant.
Coding change: c.4544A>C on transcript NM_000051.4 (MANE Select); coding-DNA position 4544, A replaced by C.
Protein change: p.Asn1515Thr; replaces asparagine 1515 with threonine.
Molecular consequence: missense variant.
Genome position (GRCh38, 1-based): chr11:108,292,726, A>C. VCF-style: chr11-108292726-A-C. GRCh37 (hg19) VCF-style: chr11-108163453-A-C.
Other names: c.4544A>C, p.Asn1515Thr (NM_001351834.2); short protein forms N1515T.
Identifiers: ClinVar variation 632653 (VCV000632653.9), dbSNP rs1565461414, ClinGen allele CA382533775.
Genomic context (GRCh38, chr11:108,292,726, plus strand): 5'-GTGACTTATTAAGTCAGGTTTGCCAGACAGCCGTGACTTACTGTAAGGATGCTCTAGAAA[A>C]CCATCTTCATGTTATTGTTGGTACACTTATACCCCTTGTGTATGAGCAGGTGGAGGTTCA-3'
Protein context (NP_000042.3, residues 1505-1525): AVTYCKDALE[Asn1515Thr]HLHVIVGTLI

ClinVar aggregate classification (germline): Conflicting classifications of pathogenicity. Review status: criteria provided, conflicting classifications (1 of 4 stars). 3 submissions from 3 submitters: Uncertain significance (2); Likely benign (1). Last evaluated 2024-08-02.

Conditions:
Ataxia-telangiectasia syndrome (AT). Also called: Ataxia-telangiectasia, complementation group D; AT, COMPLEMENTATION GROUP C; Ataxia-telangiectasia; ATAXIA-TELANGIECTASIA, COMPLEMENTATION GROUP A; ATAXIA-TELANGIECTASIA, FRESNO VARIANT; LOUIS-BAR SYNDROME. Identifiers: Orphanet 100, MedGen C0004135, MONDO:0008840, OMIM 208900.
Hereditary cancer-predisposing syndrome. Also called: Hereditary Cancer Syndrome; Neoplastic Syndromes, Hereditary; Tumor predisposition; Hereditary neoplastic syndrome. Identifiers: Orphanet 140162, MedGen C0027672, MeSH D009386, MONDO:0015356.

Submissions (3):

Ambry Genetics
Classification: Likely benign for Hereditary cancer-predisposing syndrome. Last evaluated: 2024-08-02. Review status: criteria provided, single submitter. Criteria: Ambry Variant Classification Scheme 2023. Collection method: clinical testing. Allele origin: germline.

Labcorp Genetics (formerly Invitae), Labcorp
Classification: Uncertain significance for Ataxia-telangiectasia syndrome. Last evaluated: 2024-03-22. Review status: criteria provided, single submitter. Criteria: Invitae Variant Classification Sherloc (09022015). Collection method: clinical testing. Allele origin: germline.
Comment: This sequence change replaces asparagine, which is neutral and polar, with threonine, which is neutral and polar, at codon 1515 of the ATM protein (p.Asn1515Thr). This variant is not present in population databases (gnomAD no frequency). This variant has not been reported in the literature in individuals affected with ATM-related conditions. ClinVar contains an entry for this variant (Variation ID: 632653). An algorithm developed to predict the effect of missense changes on protein structure and function (PolyPhen-2) suggests that this variant is likely to be tolerated. In summary, the available evidence is currently insufficient to determine the role of this variant in disease. Therefore, it has been classified as a Variant of Uncertain Significance.

Women's Health and Genetics/Laboratory Corporation of America, LabCorp
Classification: Uncertain significance. Last evaluated: 2018-09-14. Review status: criteria provided, single submitter. Criteria: LabCorp Variant Classification Summary - May 2015. Collection method: clinical testing. Allele origin: germline.
Comment: Variant summary: ATM c.4544A>C (p.Asn1515Thr) results in a non-conservative amino acid change in the encoded protein sequence. Four of five in-silico tools predict a benign effect of the variant on protein function. The variant was absent in 246132 control chromosomes (gnomAD). The available data on variant occurrences in the general population are insufficient to allow any conclusion about variant significance. To our knowledge, no occurrence of c.4544A>C in individuals affected with Ataxia-Telangiectasia and no experimental evidence demonstrating its impact on protein function have been reported. No clinical diagnostic laboratories have submitted clinical-significance assessments for this variant to ClinVar after 2014. Based on the evidence outlined above, the variant was classified as uncertain significance.